The following is an entry in ClinVar:

NM_021267.5(CERS1):c.955G>A (p.Asp319Asn)

Genes: CERS1 (ceramide synthase 1; minus strand), GDF1 (growth differentiation factor 1; minus strand). Cytogenetic location: 19p13.11.
Variant type: single nucleotide variant.
Coding change: c.955G>A on transcript NM_021267.5 (MANE Select); coding-DNA position 955, G replaced by A.
Protein change: p.Asp319Asn; replaces aspartic acid 319 with asparagine.
Molecular consequence: missense variant. On other transcripts: 5 prime UTR variant (1), intron variant (1).
Genome position (GRCh38, 1-based): chr19:18,878,985, C>T on the plus strand (G>A on the coding strand, the complement: CERS1 is on the minus strand). VCF-style: chr19-18878985-C-T. GRCh37 (hg19) VCF-style: chr19-18989794-C-T.
Other names: c.661G>A, p.Asp221Asn (NM_001290265.2, NM_001387442.1, NM_001387443.1 and 2 more transcripts); c.955G>A, p.Asp319Asn (NM_001387439.1, NM_001387440.1, NM_198207.3); c.910G>A, p.Asp304Asn (NM_001387441.1); c.-368G>A (NM_001492.6); c.-313+5102G>A (NM_001387438.1); short protein forms D221N, D304N, D319N.
Identifiers: ClinVar variation 1438205 (VCV001438205.8), dbSNP rs369933386, ClinGen allele CA306241517.

ClinVar aggregate classification (germline): Uncertain significance (1 of 4 stars; one submission).

Conditions:
Progressive myoclonic epilepsy type 8. Identifiers: Orphanet 424027, MedGen C5190825, MONDO:0014545, OMIM 616230.

Allele frequency attached by ClinVar (database versions not stated): TOPMed 0.00001; ESP Exome Variant Server 0.00016.
gnomAD v4.1: 1 of 1,613,848 alleles (0.000062%); highest among the groups gnomAD compares: Non-Finnish European, 0.000085%; no homozygotes.

Submission:

Labcorp Genetics (formerly Invitae), Labcorp
Classification: Uncertain significance for Progressive myoclonic epilepsy type 8. Last evaluated: 2021-02-12. Review status: criteria provided, single submitter. Criteria: Invitae Variant Classification Sherloc (09022015). Collection method: clinical testing. Allele origin: germline.
Comment: This sequence change replaces aspartic acid with asparagine at codon 319 of the CERS1 protein (p.Asp319Asn). The aspartic acid residue is highly conserved and there is a small physicochemical difference between aspartic acid and asparagine. This variant is not present in population databases (ExAC no frequency). This variant has not been reported in the literature in individuals with CERS1-related conditions. In summary, the available evidence is currently insufficient to determine the role of this variant in disease. Therefore, it has been classified as a Variant of Uncertain Significance. Algorithms developed to predict the effect of missense changes on protein structure and function are either unavailable or do not agree on the potential impact of this missense change (SIFT: "Tolerated"; PolyPhen-2: "Probably Damaging"; Align-GVGD: "Class C0").